The following is an entry in ClinVar:

ClinVar aggregate classification (germline): Uncertain significance (0 of 4 stars; one submission).

Conditions:
DRP2-related disorder. Also called: DRP2-related condition.

Submission:

PreventionGenetics, part of Exact Sciences
Classification: Uncertain significance for DRP2-related condition. Last evaluated: 2024-05-17. Review status: no assertion criteria provided. Collection method: clinical testing. Allele origin: germline.
Comment: The DRP2 c.1370G>A variant is predicted to result in the amino acid substitution p.Arg457His. To our knowledge, this variant has not been reported in the literature or in a large population database, indicating this variant is rare. At this time, the clinical significance of this variant is uncertain due to the absence of conclusive functional and genetic evidence.

NM_001939.3(DRP2):c.1370G>A (p.Arg457His)

Gene: DRP2 (dystrophin related protein 2; plus strand). Cytogenetic location: Xq22.1.
Variant type: single nucleotide variant.
Coding change: c.1370G>A on transcript NM_001939.3 (MANE Select); coding-DNA position 1370, G replaced by A.
Protein change: p.Arg457His; replaces arginine 457 with histidine.
Molecular consequence: missense variant.
Genome position (GRCh38, 1-based): chrX:101,248,206, G>A. VCF-style: chrX-101248206-G-A. GRCh37 (hg19) VCF-style: chrX-100503195-G-A.
Other names: c.1136G>A, p.Arg379His (NM_001171184.2); short protein forms R379H, R457H.
Identifiers: ClinVar variation 3358298 (VCV003358298.1).